The following is an entry in ClinVar:

ClinVar aggregate classification (germline): Uncertain significance (1 of 4 stars; one submission).

Conditions:
Emery-Dreifuss muscular dystrophy 5, autosomal dominant (EDMD5). Also called: EMERY-DREIFUSS MUSCULAR DYSTROPHY 5. Identifiers: Orphanet 261, MedGen C2751805, MONDO:0013072, OMIM 612999.

Allele frequency attached by ClinVar (database versions not stated): gnomAD exomes below 0.00001; TOPMed below 0.00001; gnomAD 0.00001.
gnomAD v4.1: 11 of 1,612,732 alleles (0.00068%); highest among the groups gnomAD compares: Non-Finnish European, 0.00059%; no homozygotes.

Submission:

Labcorp Genetics (formerly Invitae), Labcorp
Classification: Uncertain significance for Emery-Dreifuss muscular dystrophy 5, autosomal dominant. Last evaluated: 2025-06-09. Review status: criteria provided, single submitter. Criteria: Invitae Variant Classification Sherloc (09022015). Collection method: clinical testing. Allele origin: germline.
Comment: This sequence change replaces glutamic acid, which is acidic and polar, with valine, which is neutral and non-polar, at codon 5665 of the SYNE2 protein (p.Glu5665Val). This variant is not present in population databases (gnomAD no frequency). This variant has not been reported in the literature in individuals affected with SYNE2-related conditions. ClinVar contains an entry for this variant (Variation ID: 2737738). An algorithm developed to predict the effect of missense changes on protein structure and function (PolyPhen-2) suggests that this variant is likely to be disruptive. In summary, the available evidence is currently insufficient to determine the role of this variant in disease. Therefore, it has been classified as a Variant of Uncertain Significance.

NM_182914.3(SYNE2):c.16994A>T (p.Glu5665Val)

Gene: SYNE2 (spectrin repeat containing nuclear envelope protein 2; plus strand). Cytogenetic location: 14q23.2.
Variant type: single nucleotide variant.
Coding change: c.16994A>T on transcript NM_182914.3 (MANE Select); coding-DNA position 16994, A replaced by T.
Protein change: p.Glu5665Val; replaces glutamic acid 5665 with valine.
Molecular consequence: missense variant.
Genome position (GRCh38, 1-based): chr14:64,168,965, A>T. VCF-style: chr14-64168965-A-T. GRCh37 (hg19) VCF-style: chr14-64635683-A-T.
Other names: c.16994A>T, p.Glu5665Val (NM_015180.6); short protein forms E5665V.
Identifiers: ClinVar variation 2737738 (VCV002737738.3), dbSNP rs1388888404, ClinGen allele CA389971181.